The following is an entry in ClinVar:

NM_015978.3(TNNI3K):c.464_472del (p.Gln155_Ala158delinsPro)

Genes: FPGT-TNNI3K (FPGT-TNNI3K readthrough; plus strand), TNNI3K (TNNI3 interacting kinase; plus strand). Cytogenetic location: 1p31.1.
Variant type: Deletion.
Coding change: c.464_472del on transcript NM_015978.3 (MANE Select); coding-DNA positions 464 to 472, 9 bases deleted (AACATGGAG; older notation c.464_472delAACATGGAG).
Protein change: p.Gln155_Ala158delinsPro.
Molecular consequence: inframe indel.
Genome position (GRCh38, 1-based): chr1:74,331,469-74,331,477, AACATGGAG deleted. VCF-style (leftmost placement, unchanged base first): chr1-74331468-CAACATGGAG-C. GRCh37 (hg19) VCF-style: chr1-74797152-CAACATGGAG-C.
Other names: c.767_775del, p.Gln256_Ala259delinsPro (NM_001112808.3, NM_001199327.2).
Identifiers: ClinVar variation 3675797 (VCV003675797.2).

ClinVar aggregate classification (germline): Uncertain significance (1 of 4 stars; one submission).

Submission:

Labcorp Genetics (formerly Invitae), Labcorp
Classification: Uncertain significance. Last evaluated: 2025-12-23. Review status: criteria provided, single submitter. Criteria: Invitae Variant Classification Sherloc (09022015). Collection method: clinical testing. Allele origin: germline.
Comment: This variant, c.464_472del, results in the deletion of 4 and insertion of 1 amino acid(s) of the TNNI3K protein (p.Gln155_Ala158delinsPro), but otherwise preserves the integrity of the reading frame. This variant is present in population databases (rs762999235, gnomAD 0.0009%). This variant has not been reported in the literature in individuals affected with TNNI3K-related conditions. ClinVar contains an entry for this variant (Variation ID: 3675797). Experimental studies and prediction algorithms are not available or were not evaluated, and the functional significance of this variant is currently unknown. In summary, the available evidence is currently insufficient to determine the role of this variant in disease. Therefore, it has been classified as a Variant of Uncertain Significance.